The following is an entry in ClinVar:

NM_001166412.2(SMOC2):c.1315A>G (p.Asn439Asp)

Gene: SMOC2 (SPARC related modular calcium binding 2; plus strand). Cytogenetic location: 6q27.
Variant type: single nucleotide variant.
Coding change: c.1315A>G on transcript NM_001166412.2 (MANE Select); coding-DNA position 1315, A replaced by G.
Protein change: p.Asn439Asp; replaces asparagine 439 with aspartic acid.
Molecular consequence: missense variant.
Genome position (GRCh38, 1-based): chr6:168,664,103, A>G. VCF-style: chr6-168664103-A-G. GRCh37 (hg19) VCF-style: chr6-169064783-A-G.
Other names: c.1348A>G, p.Asn450Asp (NM_022138.3); short protein forms N439D, N450D.
Identifiers: ClinVar variation 781890 (VCV000781890.23), dbSNP rs118133242, ClinGen allele CA4102515.

ClinVar aggregate classification (germline): Benign/Likely benign. Review status: criteria provided, multiple submitters, no conflicts (2 of 4 stars). 2 submissions from 2 submitters: Benign (1); Likely benign (1). Last evaluated 2025-12-19.

Allele frequency attached by ClinVar (database versions not stated): 1000 Genomes Project 30x 0.00203; 1000 Genomes Project 0.00220; TOPMed 0.00489; gnomAD exomes 0.00544 and 0.00577; ExAC 0.00545; ESP Exome Variant Server 0.00592; gnomAD 0.00612 and 0.00631.
gnomAD v4.1: 9,306 of 1,604,154 alleles (0.58%); highest among the groups gnomAD compares: Non-Finnish European, 0.63%; 50 homozygotes.

Submissions (2):

Labcorp Genetics (formerly Invitae), Labcorp
Classification: Benign. Last evaluated: 2025-12-19. Review status: criteria provided, single submitter. Criteria: Invitae Variant Classification Sherloc (09022015). Collection method: clinical testing. Allele origin: germline.

CeGaT Center for Human Genetics Tuebingen
Classification: Likely benign. Last evaluated: 2025-02-01. Review status: criteria provided, single submitter. Criteria: CeGaT Center For Human Genetics Tuebingen Variant Classification Criteria Version 2. Collection method: clinical testing. Allele origin: germline. Affected: yes. Observed: 1 variant allele.
Comment: SMOC2: BP4, BS2